The following is an entry in ClinVar:

NM_004656.4(BAP1):c.881T>G (p.Leu294Arg)

Gene: BAP1 (BRCA1 associated deubiquitinase 1; minus strand). Cytogenetic location: 3p21.1.
Variant type: single nucleotide variant.
Coding change: c.881T>G on transcript NM_004656.4 (MANE Select); coding-DNA position 881, T replaced by G.
Protein change: p.Leu294Arg; replaces leucine 294 with arginine.
Molecular consequence: missense variant.
Genome position (GRCh38, 1-based): chr3:52,405,815, A>C on the plus strand (T>G on the coding strand, the complement: BAP1 is on the minus strand). VCF-style: chr3-52405815-A-C. GRCh37 (hg19) VCF-style: chr3-52439831-A-C.
Other names: short protein forms L294R.
Identifiers: ClinVar variation 649316 (VCV000649316.6), dbSNP rs1578224352, ClinGen allele CA353106659.
Genomic context (GRCh38, chr3:52,405,815, plus strand): 5'-CCCCCAGTACCTGTGTGGTTGCCCTCAGAGGCTGCAGGGGCCCTGTTTGCTTCCAGCACC[A>C]GCGGGGACTTGTTGCTGGCTGACTTGGACTCCTCAGGCAGCTGTGACTCTTGAGACTTGT-3'
Protein context (NP_004647.1, residues 284-304): ESKSASNKSP[Leu294Arg]VLEANRAPAA

ClinVar aggregate classification (germline): Uncertain significance (1 of 4 stars; one submission).

Conditions:
BAP1-related tumor predisposition syndrome (TPDS1). Also called: Tumor susceptibility linked to germline BAP1 mutations; BAP1 tumor predisposition syndrome; COMMON Syndrome; TUMOR PREDISPOSITION SYNDROME 1. Identifiers: Orphanet 289539, MedGen C3280492, MONDO:0013692, OMIM 614327.

Submission:

Labcorp Genetics (formerly Invitae), Labcorp
Classification: Uncertain significance for BAP1-related tumor predisposition syndrome. Last evaluated: 2018-12-04. Review status: criteria provided, single submitter. Criteria: Invitae Variant Classification Sherloc (09022015). Collection method: clinical testing. Allele origin: germline.
Comment: In summary, the available evidence is currently insufficient to determine the role of this variant in disease. Therefore, it has been classified as a Variant of Uncertain Significance. Algorithms developed to predict the effect of missense changes on protein structure and function (SIFT, PolyPhen-2, Align-GVGD) all suggest that this variant is likely to be tolerated, but these predictions have not been confirmed by published functional studies and their clinical significance is uncertain. This variant has not been reported in the literature in individuals with BAP1-related conditions. This variant is not present in population databases (ExAC no frequency). This sequence change replaces leucine with arginine at codon 294 of the BAP1 protein (p.Leu294Arg). The leucine residue is weakly conserved and there is a moderate physicochemical difference between leucine and arginine.